The following is an entry in ClinVar:

NM_000090.4(COL3A1):c.637-12C>T

Gene: COL3A1 (collagen type III alpha 1 chain; plus strand). Cytogenetic location: 2q32.2.
Variant type: single nucleotide variant.
Coding change: c.637-12C>T on transcript NM_000090.4 (MANE Select); 12 bases into the intron before coding-DNA position 637, C replaced by T.
Molecular consequence: intron variant.
Genome position (GRCh38, 1-based): chr2:188,989,384, C>T. VCF-style: chr2-188989384-C-T. GRCh37 (hg19) VCF-style: chr2-189854110-C-T.
Identifiers: ClinVar variation 3074450 (VCV003074450.1), dbSNP rs2469116501, ClinGen allele CA2662286699.

ClinVar aggregate classification (germline): Likely benign (1 of 4 stars; one submission).

Conditions:
Ehlers-Danlos syndrome, type 4 (EDSVASC). Also called: Ehlers-Danlos Syndrome Type IV; Ehlers-Danlos syndrome vascular type; Ehlers Danlos syndrome, ecchymotic type; Ehlers Danlos syndrome, arterial type; Ehlers Danlos syndrome, Sack-Barabas type. Identifiers: Orphanet 286, MedGen C0268338, MONDO:0017314, OMIM 130050.

Submission:

All of Us Research Program, National Institutes of Health
Classification: Likely benign for Ehlers-Danlos syndrome, type 4. Last evaluated: 2023-11-20. Review status: criteria provided, single submitter. Criteria: ACMG Guidelines, 2015. Collection method: clinical testing. Allele origin: germline. Inheritance: Autosomal dominant inheritance. Observed: 1 variant allele, 1 heterozygote.
Comment: This study involves interpretation of variants in research participants for the purpose of population health screening. Participant phenotype was not available at the time of variant classification. Additional details can be found in publication PMID: 35346344, PMCID: PMC8962531